The following is an entry in ClinVar:

NM_001148.6(ANK2):c.5719T>G (p.Ser1907Ala)

Genes: ANK2 (ankyrin 2; plus strand), LOC126807136 (MED14-independent group 3 enhancer GRCh37_chr4:114274931-114276130; plus strand). Cytogenetic location: 4q26.
Variant type: single nucleotide variant.
Coding change: c.5719T>G on transcript NM_001148.6 (MANE Select); coding-DNA position 5719, T replaced by G.
Protein change: p.Ser1907Ala; replaces serine 1907 with alanine.
Molecular consequence: missense variant. On other transcripts: intron variant (68).
Genome position (GRCh38, 1-based): chr4:113,354,337, T>G. VCF-style: chr4-113354337-T-G. GRCh37 (hg19) VCF-style: chr4-114275493-T-G.
Other names: c.5485T>G, p.Ser1829Ala (NM_001386142.1); c.2119T>G, p.Ser707Ala (NM_001386166.1); c.5860T>G, p.Ser1954Ala (NM_001386174.1); c.5836T>G, p.Ser1946Ala (NM_001386175.1); c.4411+4088T>G (NM_001386186.2, NM_001386148.2); c.4213+4088T>G (NM_001354269.3); c.4291+4088T>G (NM_001386187.2); c.4252+4088T>G (NM_001386147.1); and 35 more; short protein forms S1907A, S707A, S1829A, S1954A, S1946A.
Identifiers: ClinVar variation 4051304 (VCV004051304.1).

ClinVar aggregate classification (germline): Uncertain significance (1 of 4 stars; one submission).

Conditions:
Cardiovascular phenotype. Identifiers: MedGen CN230736.

Submission:

Ambry Genetics
Classification: Uncertain significance for Cardiovascular phenotype. Last evaluated: 2025-05-27. Review status: criteria provided, single submitter. Criteria: Ambry Variant Classification Scheme 2023. Collection method: clinical testing. Allele origin: germline.
Comment: The p.S1907A variant (also known as c.5719T>G), located in coding exon 38 of the ANK2 gene, results from a T to G substitution at nucleotide position 5719. The serine at codon 1907 is replaced by alanine, an amino acid with similar properties. This amino acid position is conserved. In addition, this alteration is predicted to be tolerated by in silico analysis. Based on the available evidence, the clinical significance of this variant remains unclear.